The following is an entry in ClinVar:

NC_000022.10:g.(?_29886470)_(29893470_?)del

Gene: NEFH (neurofilament heavy chain; plus strand). Cytogenetic location: 22q12.2.
Variant type: Deletion.
Identifiers: ClinVar variation 2426663 (VCV002426663.4).

ClinVar aggregate classification (germline): Uncertain significance (1 of 4 stars; one submission).

Submission:

Labcorp Genetics (formerly Invitae), Labcorp
Classification: Uncertain significance. Last evaluated: 2023-11-14. Review status: criteria provided, single submitter. Criteria: Invitae Variant Classification Sherloc (09022015). Collection method: clinical testing. Allele origin: germline.
Comment: This variant results in the deletion of part of exon 4 (c.2842_*6779del) of the NEFH gene. While this is not anticipated to result in nonsense mediated decay, it is expected to disrupt the last 73 amino acid(s) of the NEFH protein. This variant has not been reported in the literature in individuals affected with NEFH-related conditions. Experimental studies and prediction algorithms are not available or were not evaluated, and the functional significance of this variant is currently unknown. In summary, the available evidence is currently insufficient to determine the role of this variant in disease. Therefore, it has been classified as a Variant of Uncertain Significance.